The following is an entry in ClinVar:

NM_000088.4(COL1A1):c.588+2T>A

Gene: COL1A1 (collagen type I alpha 1 chain; minus strand). Cytogenetic location: 17q21.33.
Variant type: single nucleotide variant.
Coding change: c.588+2T>A on transcript NM_000088.4 (MANE Select); the canonical splice donor site of the intron after coding-DNA position 588, T replaced by A.
Molecular consequence: splice donor variant.
Genome position (GRCh38, 1-based): chr17:50,198,159, A>T on the plus strand (T>A on the coding strand, the complement: COL1A1 is on the minus strand). VCF-style: chr17-50198159-A-T. GRCh37 (hg19) VCF-style: chr17-48275520-A-T.
Identifiers: ClinVar variation 3721384 (VCV003721384.2).

ClinVar aggregate classification (germline): Pathogenic (1 of 4 stars; one submission).

Conditions:
Osteogenesis imperfecta type I (OI1). Also called: OI, TYPE I; OSTEOGENESIS IMPERFECTA TARDA; OSTEOGENESIS IMPERFECTA WITH BLUE SCLERAE; Osteogenesis imperfecta type 1; Lobstein's Disease; Lobstein disease. Identifiers: Orphanet 216796, Orphanet 666, MedGen C0023931, MONDO:0008146, OMIM 166200. Disease mechanism: loss of function.

Submission:

Labcorp Genetics (formerly Invitae), Labcorp
Classification: Pathogenic for Osteogenesis imperfecta type I. Last evaluated: 2024-10-05. Review status: criteria provided, single submitter. Criteria: Invitae Variant Classification Sherloc (09022015). Collection method: clinical testing. Allele origin: germline.
Comment: This sequence change affects a donor splice site in intron 7 of the COL1A1 gene. It is expected to disrupt RNA splicing. Variants that disrupt the donor or acceptor splice site typically lead to a loss of protein function (PMID: 16199547), and loss-of-function variants in COL1A1 are known to be pathogenic (PMID: 7942841, 9295084, 9443882). This variant is not present in population databases (gnomAD no frequency). Disruption of this splice site has been observed in individual(s) with osteogenesis imperfecta (PMID: 35909573). In at least one individual the variant was observed to be de novo. Algorithms developed to predict the effect of sequence changes on RNA splicing suggest that this variant may disrupt the consensus splice site. For these reasons, this variant has been classified as Pathogenic.

Literature cited by the submitters: PubMed 16199547; PubMed 7942841; PubMed 9295084; PubMed 9443882; PubMed 35909573.